The following is an entry in ClinVar:

ClinVar aggregate classification (germline): Benign (0 of 4 stars; one submission).

Conditions:
DMXL1-related disorder. Also called: DMXL1-related condition.

Allele frequency attached by ClinVar (database versions not stated): TOPMed 0.00017; gnomAD 0.00043; gnomAD exomes 0.00077; ExAC 0.00166; 1000 Genomes Project 30x 0.00250; 1000 Genomes Project 0.00300.
gnomAD v4.1: 1,194 of 1,613,884 alleles (0.074%); highest among the groups gnomAD compares: South Asian, 1.1%; 13 homozygotes.

Submission:

PreventionGenetics, part of Exact Sciences
Classification: Benign for DMXL1-related condition. Last evaluated: 2019-06-06. Review status: no assertion criteria provided. Collection method: clinical testing. Allele origin: germline.
Comment: This variant is classified as benign based on ACMG/AMP sequence variant interpretation guidelines (Richards et al. 2015 PMID: 25741868, with internal and published modifications).

NM_001290321.3(DMXL1):c.3776C>T (p.Thr1259Ile)

Gene: DMXL1 (Dmx like 1; plus strand). Cytogenetic location: 5q23.1.
Variant type: single nucleotide variant.
Coding change: c.3776C>T on transcript NM_001290321.3 (MANE Select); coding-DNA position 3776, C replaced by T.
Protein change: p.Thr1259Ile; replaces threonine 1259 with isoleucine.
Molecular consequence: missense variant. On other transcripts: non-coding transcript variant (3).
Genome position (GRCh38, 1-based): chr5:119,149,603, C>T. VCF-style: chr5-119149603-C-T. GRCh37 (hg19) VCF-style: chr5-118485298-C-T.
Other names: c.3776C>T, p.Thr1259Ile (NM_001349239.2, NM_001349240.2, NM_001387933.1 and 2 more transcripts); c.3071C>T, p.Thr1024Ile (NM_001387937.1); c.2789C>T, p.Thr930Ile (NM_001387938.1); short protein forms T1024I, T1259I, T930I.
Identifiers: ClinVar variation 3044559 (VCV003044559.2), dbSNP rs539203658, ClinGen allele CA3380010.
Genomic context (GRCh38, chr5:119,149,603, plus strand): 5'-GCCAATGGCAACCATCTTCTAAACAAGAACCTGTTATAACAGATTCGTACAGTGGGAGCA[C>T]TCCATCTATAACAAGTTTAATAAAACAGAGTAACTCCAGTTCTGGGTTACATCCTCCAAA-3'
Protein context (NP_001277250.1, residues 1249-1269): PVITDSYSGS[Thr1259Ile]PSITSLIKQS